The following is an entry in ClinVar:

ClinVar aggregate classification (germline): Uncertain significance. Review status: criteria provided, multiple submitters, no conflicts (2 of 4 stars). 2 submissions from 2 submitters: Uncertain significance (2). Last evaluated 2025-11-26.

Conditions:
Spinocerebellar ataxia, autosomal recessive, with axonal neuropathy 2 (SCAN2). Also called: Ataxia with Oculomotor Apraxia Type 2; ATAXIA-OCULOMOTOR APRAXIA 2; Ataxia-ocular apraxia-2; Ataxia with Oculomotor Apraxia. Identifiers: Orphanet 64753, MedGen C1853761, MONDO:0018996, OMIM 606002.
Amyotrophic lateral sclerosis type 4 (ALS4). Also called: NEURONOPATHY, DISTAL HEREDITARY MOTOR, WITH PYRAMIDAL FEATURES; AMYOTROPHIC LATERAL SCLEROSIS 4, JUVENILE. Identifiers: Orphanet 357043, MedGen C1865409, MONDO:0011223, OMIM 602433.
Inborn genetic diseases. Identifiers: MedGen C0950123, MeSH D030342.

Submissions (2):

Labcorp Genetics (formerly Invitae), Labcorp
Classification: Uncertain significance for Amyotrophic lateral sclerosis type 4; Spinocerebellar ataxia, autosomal recessive, with axonal neuropathy 2. Last evaluated: 2025-11-26. Review status: criteria provided, single submitter. Criteria: Invitae Variant Classification Sherloc (09022015). Collection method: clinical testing. Allele origin: germline.
Comment: This sequence change replaces tyrosine, which is neutral and polar, with histidine, which is basic and polar, at codon 1836 of the SETX protein (p.Tyr1836His). This variant is not present in population databases (gnomAD no frequency). This variant has not been reported in the literature in individuals affected with SETX-related conditions. ClinVar contains an entry for this variant (Variation ID: 3794699). Invitae Evidence Modeling of protein sequence and biophysical properties (such as structural, functional, and spatial information, amino acid conservation, physicochemical variation, residue mobility, and thermodynamic stability) indicates that this missense variant is not expected to disrupt SETX protein function with a negative predictive value of 95%. In summary, the available evidence is currently insufficient to determine the role of this variant in disease. Therefore, it has been classified as a Variant of Uncertain Significance.

Ambry Genetics
Classification: Uncertain significance for Inborn genetic diseases. Last evaluated: 2025-03-05. Review status: criteria provided, single submitter. Criteria: Ambry Variant Classification Scheme 2023. Collection method: clinical testing. Allele origin: germline.

NM_015046.7(SETX):c.5506T>C (p.Tyr1836His)

Gene: SETX (senataxin; minus strand). Cytogenetic location: 9q34.13.
Variant type: single nucleotide variant.
Coding change: c.5506T>C on transcript NM_015046.7 (MANE Select); coding-DNA position 5506, T replaced by C.
Protein change: p.Tyr1836His; replaces tyrosine 1836 with histidine.
Molecular consequence: missense variant.
Genome position (GRCh38, 1-based): chr9:132,300,672, A>G on the plus strand (T>C on the coding strand, the complement: SETX is on the minus strand). VCF-style: chr9-132300672-A-G. GRCh37 (hg19) VCF-style: chr9-135176059-A-G.
Other names: c.5506T>C, p.Tyr1836His (NM_001351527.2, NM_001351528.2); short protein forms Y1836H.
Identifiers: ClinVar variation 3794699 (VCV003794699.2).